The following is an entry in ClinVar:

ClinVar aggregate classification (germline): Uncertain significance. Review status: criteria provided, multiple submitters, no conflicts (2 of 4 stars). 2 submissions from 2 submitters: Uncertain significance (2). Last evaluated 2026-04-01.

Conditions:
Inborn genetic diseases. Identifiers: MedGen C0950123, MeSH D030342.
Congenital disorder of glycosylation, type Iaa. Also called: Congenital disorder of glycosylation, type 1aa. Identifiers: MedGen C4310727, MONDO:0014904, OMIM 617082.

Allele frequency attached by ClinVar (database versions not stated): gnomAD 0.00001; gnomAD exomes 0.00001; TOPMed 0.00001.
gnomAD v4.1: 17 of 1,508,194 alleles (0.0011%); highest among the groups gnomAD compares: African/African-American, 0.0027%; no homozygotes.

Submissions (2):

Ambry Genetics
Classification: Uncertain significance for Inborn genetic diseases. Last evaluated: 2026-04-01. Review status: criteria provided, single submitter. Criteria: Ambry Variant Classification Scheme 2023. Collection method: clinical testing. Allele origin: germline.

Labcorp Genetics (formerly Invitae), Labcorp
Classification: Uncertain significance for Congenital disorder of glycosylation, type Iaa. Last evaluated: 2025-09-08. Review status: criteria provided, single submitter. Criteria: Invitae Variant Classification Sherloc (09022015). Collection method: clinical testing. Allele origin: germline.
Comment: This sequence change replaces arginine, which is basic and polar, with tryptophan, which is neutral and slightly polar, at codon 10 of the NUS1 protein (p.Arg10Trp). The frequency data for this variant in the population databases is considered unreliable, as metrics indicate poor data quality at this position in the gnomAD database. This variant has not been reported in the literature in individuals affected with NUS1-related conditions. ClinVar contains an entry for this variant (Variation ID: 2072893). An algorithm developed to predict the effect of missense changes on protein structure and function (PolyPhen-2) suggests that this variant is likely to be disruptive. In summary, the available evidence is currently insufficient to determine the role of this variant in disease. Therefore, it has been classified as a Variant of Uncertain Significance.

NM_138459.5(NUS1):c.28C>T (p.Arg10Trp)

Gene: NUS1 (NUS1 dehydrodolichyl diphosphate synthase subunit; plus strand). Cytogenetic location: 6q22.1.
Variant type: single nucleotide variant.
Coding change: c.28C>T on transcript NM_138459.5 (MANE Select); coding-DNA position 28, C replaced by T.
Protein change: p.Arg10Trp; replaces arginine 10 with tryptophan.
Molecular consequence: missense variant.
Genome position (GRCh38, 1-based): chr6:117,675,698, C>T. VCF-style: chr6-117675698-C-T. GRCh37 (hg19) VCF-style: chr6-117996861-C-T.
Other names: c.28C>T (NM_138459.3); short protein forms R10W.
Identifiers: ClinVar variation 2072893 (VCV002072893.6), dbSNP rs1473876877, ClinGen allele CA365535749.